The following is an entry in ClinVar:

NM_003072.5(SMARCA4):c.739_740delinsGA (p.Pro247Glu)

Gene: SMARCA4 (SWI/SNF related BAF chromatin remodeling complex subunit ATPase 4; plus strand). Cytogenetic location: 19p13.2.
Variant type: Indel.
Coding change: c.739_740delinsGA on transcript NM_003072.5 (MANE Select); coding-DNA positions 739 to 740, CC replaced by GA.
Protein change: p.Pro247Glu; replaces proline 247 with glutamic acid.
Molecular consequence: missense variant. On other transcripts: non-coding transcript variant (1).
Genome position (GRCh38, 1-based): chr19:10,986,572-10,986,573, CC replaced by GA. VCF-style: chr19-10986572-CC-GA. GRCh37 (hg19) VCF-style: chr19-11097248-CC-GA.
Other names: c.739_740delinsGA, p.Pro247Glu (NM_001128844.3, NM_001128845.2, NM_001128846.2 and 6 more transcripts); short protein forms P247E.
Identifiers: ClinVar variation 4724623 (VCV004724623.1).

ClinVar aggregate classification (germline): Uncertain significance (1 of 4 stars; one submission).

Conditions:
Rhabdoid tumor predisposition syndrome 2 (RTPS2). Identifiers: Orphanet 231108, Orphanet 69077, MedGen C2750074, MONDO:0013224, OMIM 613325.

Submission:

Labcorp Genetics (formerly Invitae), Labcorp
Classification: Uncertain significance for Rhabdoid tumor predisposition syndrome 2. Last evaluated: 2026-01-26. Review status: criteria provided, single submitter. Criteria: Invitae Variant Classification Sherloc (09022015). Collection method: clinical testing. Allele origin: germline.
Comment: This sequence change replaces proline, which is neutral and non-polar, with glutamic acid, which is acidic and polar, at codon 247 of the SMARCA4 protein (p.Pro247Glu). Information on the frequency of this variant in the gnomAD database is not available, as this variant may be reported differently in the database. This variant has not been reported in the literature in individuals affected with SMARCA4-related conditions. An algorithm developed to predict the effect of missense changes on protein structure and function (PolyPhen-2) suggests that this variant is likely to be tolerated. In summary, the available evidence is currently insufficient to determine the role of this variant in disease. Therefore, it has been classified as a Variant of Uncertain Significance.